The following is an entry in ClinVar:

ClinVar aggregate classification (germline): Uncertain significance (1 of 4 stars; one submission).

Conditions:
Tangier disease (TGD). Also called: HIGH DENSITY LIPOPROTEIN DEFICIENCY, TANGIER TYPE; HIGH DENSITY LIPOPROTEIN DEFICIENCY, TYPE 1; Cholesterol thesaurismosis. Identifiers: Orphanet 31150, MedGen C0039292, MONDO:0008783, OMIM 205400.

Submission:

Department of Molecular Genetics, Istishari Arab Hospital
Classification: Uncertain significance for Tangier disease. Last evaluated: 2026-03-14. Review status: criteria provided, single submitter. Criteria: ACMG Guidelines, 2015. Collection method: clinical testing. Allele origin: germline. Inheritance: Autosomal recessive inheritance. Affected: yes.
Comment: The ABCA1 variant c.187T>C, p.Ser63Pro creates an amino acid change from Ser to Pro at position 63. This variant is not observed in the gnomAD v4.1.0 dataset and has not been previously described in the literature. It is classified as a variant of uncertain significance according to the recommendations of ACMG/AMP/ClinGen SVI guidelines.

NM_005502.4(ABCA1):c.187T>C (p.Ser63Pro)

Gene: ABCA1 (ATP binding cassette subfamily A member 1; minus strand). Cytogenetic location: 9q31.1.
Variant type: single nucleotide variant.
Coding change: c.187T>C on transcript NM_005502.4 (MANE Select); coding-DNA position 187, T replaced by C.
Protein change: p.Ser63Pro; replaces serine 63 with proline.
Molecular consequence: missense variant.
Genome position (GRCh38, 1-based): chr9:104,884,542, A>G on the plus strand (T>C on the coding strand, the complement: ABCA1 is on the minus strand). VCF-style: chr9-104884542-A-G. GRCh37 (hg19) VCF-style: chr9-107646823-A-G.
Other names: p.Ser63Pro; short protein forms S63P.
Identifiers: ClinVar variation 4813623 (VCV004813623.1).